The following is an entry in ClinVar:

NM_177438.3(DICER1):c.678A>G (p.Leu226=)

Gene: DICER1 (dicer 1, ribonuclease III; minus strand). Cytogenetic location: 14q32.13.
Variant type: single nucleotide variant.
Coding change: c.678A>G on transcript NM_177438.3 (MANE Select); coding-DNA position 678, A replaced by G.
Protein change: p.Leu226=; no amino-acid change (leucine 226 retained).
Molecular consequence: synonymous variant. On other transcripts: non-coding transcript variant (6), 5 prime UTR variant (1).
Genome position (GRCh38, 1-based): chr14:95,129,528, T>C on the plus strand (A>G on the coding strand, the complement: DICER1 is on the minus strand). VCF-style: chr14-95129528-T-C. GRCh37 (hg19) VCF-style: chr14-95595865-T-C.
Other names: c.678A>G, p.Leu226= (NM_001195573.1, NM_001271282.3, NM_001291628.2 and 14 more transcripts); c.396A>G, p.Leu132= (NM_001395686.1); c.273A>G, p.Leu91= (NM_001395687.1, NM_001395688.1, NM_001395689.1 and 3 more transcripts); c.111A>G, p.Leu37= (NM_001395691.1); c.-891A>G (NM_001395697.1).
Identifiers: ClinVar variation 4637898 (VCV004637898.2).

ClinVar aggregate classification (germline): Benign/Likely benign. Review status: criteria provided, multiple submitters, no conflicts (2 of 4 stars). 2 submissions from 2 submitters: Benign (1); Likely benign (1). Last evaluated 2026-08-18.

Conditions:
Hereditary cancer-predisposing syndrome. Also called: Neoplastic Syndromes, Hereditary; Tumor predisposition; Hereditary neoplastic syndrome; Hereditary Cancer Syndrome. Identifiers: Orphanet 140162, MedGen C0027672, MeSH D009386, MONDO:0015356.
DICER1-related tumor predisposition. Also called: DICER1-related pleuropulmonary blastoma cancer predisposition syndrome; DICER1 syndrome. Identifiers: Orphanet 284343, MedGen C3839822, MONDO:0100216.

gnomAD v4.1: 1 of 1,613,984 alleles (0.000062%); highest among the groups gnomAD compares: South Asian, 0.0011%; no homozygotes.

Submissions (2):

Myriad Genetics, Inc.
Classification: Benign for DICER1-related tumor predisposition. Last evaluated: 2026-08-18. Review status: criteria provided, single submitter. Criteria: Myriad Autosomal Dominant, Autosomal Recessive and X-Linked Classification Criteria (2023). Collection method: clinical testing. Allele origin: unknown.
Comment: This variant is considered benign. This variant is a silent/synonymous amino acid change and it is not expected to impact splicing.

Ambry Genetics
Classification: Likely benign for Hereditary cancer-predisposing syndrome. Last evaluated: 2025-12-10. Review status: criteria provided, single submitter. Criteria: Ambry Variant Classification Scheme 2023. Collection method: clinical testing. Allele origin: germline.